The following is an entry in ClinVar:

NM_015999.6(ADIPOR1):c.262T>G (p.Trp88Gly)

Gene: ADIPOR1 (adiponectin receptor 1; minus strand). Cytogenetic location: 1q32.1.
Variant type: single nucleotide variant.
Coding change: c.262T>G on transcript NM_015999.6 (MANE Select); coding-DNA position 262, T replaced by G.
Protein change: p.Trp88Gly; replaces tryptophan 88 with glycine.
Molecular consequence: missense variant.
Genome position (GRCh38, 1-based): chr1:202,946,607, A>C on the plus strand (T>G on the coding strand, the complement: ADIPOR1 is on the minus strand). VCF-style: chr1-202946607-A-C. GRCh37 (hg19) VCF-style: chr1-202915735-A-C.
Other names: c.262T>G, p.Trp88Gly (NM_001127687.1, NM_001290553.2, NM_001290557.1 and 1 more transcripts); short protein forms W88G.
Identifiers: ClinVar variation 1942050 (VCV001942050.5), dbSNP rs1295361647, ClinGen allele CA344283129.

ClinVar aggregate classification (germline): Uncertain significance (1 of 4 stars; one submission).

Allele frequency attached by ClinVar (database versions not stated): gnomAD exomes below 0.00001; TOPMed below 0.00001.
gnomAD v4.1: 5 of 1,614,074 alleles (0.00031%); highest among the groups gnomAD compares: Admixed American, 0.0067%; no homozygotes.

Submission:

Labcorp Genetics (formerly Invitae), Labcorp
Classification: Uncertain significance. Last evaluated: 2025-10-29. Review status: criteria provided, single submitter. Criteria: Invitae Variant Classification Sherloc (09022015). Collection method: clinical testing. Allele origin: germline.
Comment: This sequence change replaces tryptophan, which is neutral and slightly polar, with glycine, which is neutral and non-polar, at codon 88 of the ADIPOR1 protein (p.Trp88Gly). This variant is present in population databases (no rsID available, gnomAD 0.006%). This variant has not been reported in the literature in individuals affected with ADIPOR1-related conditions. ClinVar contains an entry for this variant (Variation ID: 1942050). An algorithm developed to predict the effect of missense changes on protein structure and function (PolyPhen-2) suggests that this variant is likely to be disruptive. In summary, the available evidence is currently insufficient to determine the role of this variant in disease. Therefore, it has been classified as a Variant of Uncertain Significance.